The following is an entry in ClinVar:

ClinVar aggregate classification (germline): Benign (1 of 4 stars; one submission).

Conditions:
Amyotrophic lateral sclerosis type 6. Also called: FUS-Related Amyotrophic Laterial Sclerosis; AMYOTROPHIC LATERAL SCLEROSIS 6 WITHOUT FRONTOTEMPORAL DEMENTIA; Amyotrophic lateral sclerosis 6, with or without frontotemporal dementia. Identifiers: Orphanet 275872, Orphanet 803, MedGen C2931786, MONDO:0011951, OMIM 608030.

Allele frequency attached by ClinVar (database versions not stated): ExAC 0.00019; gnomAD 0.00470 and 0.00503; 1000 Genomes Project 0.00539; 1000 Genomes Project 30x 0.00515; TOPMed 0.00520; gnomAD exomes 0.00062 and 0.00089.
gnomAD v4.1: 950 of 528,044 alleles (0.18%); highest among the groups gnomAD compares: African/African-American, 1.6%; 9 homozygotes.

Submission:

Illumina Laboratory Services, Illumina
Classification: Benign for Amyotrophic lateral sclerosis type 6. Last evaluated: 2018-01-13. Review status: criteria provided, single submitter. Criteria: ICSL Variant Classification Criteria 13 December 2019. Collection method: clinical testing. Allele origin: germline.
Comment: This variant was observed in the ICSL laboratory as part of a predisposition screen in an ostensibly healthy population. It had not been previously curated by ICSL or reported in the Human Gene Mutation Database (HGMD: prior to June 1st, 2018), and was therefore a candidate for classification through an automated scoring system. Utilizing variant allele frequency, disease prevalence and penetrance estimates, and inheritance mode, an automated score was calculated to assess if this variant is too frequent to cause the disease. Based on the score and internal cut-off values, a variant classified as benign is not then subjected to further curation. The score for this variant resulted in a classification of benign for this disease.

NM_004960.3(FUS):c.*2443A>G

Gene: FUS (FUS DNA/RNA binding protein; plus strand). Cytogenetic location: 16p11.2.
Variant type: single nucleotide variant.
Coding change: c.*2443A>G on transcript NM_004960.3; 2443 bases downstream of the stop codon, A replaced by G.
Molecular consequence: 3 prime UTR variant (on NM_001170634.1). On other transcripts: non-coding transcript variant (1).
Genome position (GRCh38, 1-based): chr16:31,193,881, A>G. VCF-style: chr16-31193881-A-G. GRCh37 (hg19) VCF-style: chr16-31205202-A-G.
Other names: c.*2443A>G (NM_001170634.1, NM_001170937.1).
Identifiers: ClinVar variation 319041 (VCV000319041.7), dbSNP rs189787862, ClinGen allele CA8024327.